The following is an entry in ClinVar:

NM_003172.4(SURF1):c.200T>C (p.Leu67Pro)

Gene: SURF1 (SURF1 cytochrome c oxidase assembly factor; minus strand). Cytogenetic location: 9q34.2.
Variant type: single nucleotide variant.
Coding change: c.200T>C on transcript NM_003172.4 (MANE Select); coding-DNA position 200, T replaced by C.
Protein change: p.Leu67Pro; replaces leucine 67 with proline.
Molecular consequence: missense variant. On other transcripts: 5 prime UTR variant (1).
Genome position (GRCh38, 1-based): chr9:133,354,864, A>G on the plus strand (T>C on the coding strand, the complement: SURF1 is on the minus strand). VCF-style: chr9-133354864-A-G. GRCh37 (hg19) VCF-style: chr9-136221719-A-G.
Other names: c.-128T>C (NM_001280787.1); short protein forms L67P.
Identifiers: ClinVar variation 2193065 (VCV002193065.4), dbSNP rs782505234, ClinGen allele CA200833501.

ClinVar aggregate classification (germline): Uncertain significance (1 of 4 stars; one submission).

Conditions:
Leigh syndrome (NULS). Also called: Subacute necrotizing encephalopathy; Necrotizing encephalopathy infantile subacute of Leigh; LEIGH SYNDROME, NUCLEAR; Leigh's necrotizing encephalopathy; Leigh's disease; Leigh's syndrome. Identifiers: Orphanet 506, MedGen C2931891, MONDO:0009723, OMIM 256000.

Allele frequency attached by ClinVar (database versions not stated): TOPMed below 0.00001; gnomAD exomes 0.00001.
gnomAD v4.1: 3 of 1,614,004 alleles (0.00019%); highest among the groups gnomAD compares: Non-Finnish European, 0.00025%; no homozygotes.

Submission:

Labcorp Genetics (formerly Invitae), Labcorp
Classification: Uncertain significance for Leigh syndrome. Last evaluated: 2022-03-18. Review status: criteria provided, single submitter. Criteria: Invitae Variant Classification Sherloc (09022015). Collection method: clinical testing. Allele origin: germline.
Comment: This sequence change replaces leucine, which is neutral and non-polar, with proline, which is neutral and non-polar, at codon 67 of the SURF1 protein (p.Leu67Pro). This variant is present in population databases (rs782505234, gnomAD 0.0009%). This variant has not been reported in the literature in individuals affected with SURF1-related conditions. Algorithms developed to predict the effect of missense changes on protein structure and function (SIFT, PolyPhen-2, Align-GVGD) all suggest that this variant is likely to be disruptive. In summary, the available evidence is currently insufficient to determine the role of this variant in disease. Therefore, it has been classified as a Variant of Uncertain Significance.